The following is an entry in ClinVar:

NM_007294.4(BRCA1):c.4160C>G (p.Ser1387Cys)

Gene: BRCA1 (BRCA1 DNA repair associated; minus strand). Cytogenetic location: 17q21.31.
Variant type: single nucleotide variant.
Coding change: c.4160C>G on transcript NM_007294.4 (MANE Select); coding-DNA position 4160, C replaced by G.
Protein change: p.Ser1387Cys; replaces serine 1387 with cysteine.
Molecular consequence: missense variant.
Genome position (GRCh38, 1-based): chr17:43,090,969, G>C on the plus strand (C>G on the coding strand, the complement: BRCA1 is on the minus strand). VCF-style: chr17-43090969-G-C. GRCh37 (hg19) VCF-style: chr17-41242986-G-C.
Other names: c.1556C>G, p.Ser519Cys (NM_001407968.1, NM_001407969.1); c.851C>G, p.Ser284Cys (NM_001407970.1, NM_001407971.1, NM_001407973.1 and 18 more transcripts); c.848C>G, p.Ser283Cys (NM_001407972.1, NM_001407984.1, NM_001407985.1 and 13 more transcripts); c.845C>G, p.Ser282Cys (NM_001408406.1); c.842C>G, p.Ser281Cys (NM_001408408.1); c.773C>G, p.Ser258Cys (NM_001408409.1, NM_001408411.1, NM_001408412.1 and 2 more transcripts); c.710C>G, p.Ser237Cys (NM_001408410.1, NM_001408452.1, NM_001408453.1 and 11 more transcripts); c.770C>G, p.Ser257Cys (NM_001408413.1, NM_001408416.1); and 41 more; short protein forms S1345C, S1386C, S172C, S175C, S203C, S204C, S237C, S239C.
Identifiers: ClinVar variation 2585845 (VCV002585845.4), dbSNP rs2154252938, ClinGen allele CA10593403.
Genomic context (GRCh38, chr17:43,090,969, plus strand): 5'-ACACACGCATGTGCACACACACACACGCTTTTTACCTGAGTGGTTAAAATGTCACTCTGA[G>C]AGGATAGCCCTGAGCAGTCTTCAGAGACGCTTGTTTCACTCTCACACCCAGATGCTGCTT-3'
Protein context (NP_009225.1, residues 1377-1397): SVSEDCSGLS[Ser1387Cys]QSDILTTQQR

ClinVar aggregate classification (germline): Uncertain significance. Review status: criteria provided, multiple submitters, no conflicts (2 of 4 stars). 2 submissions from 2 submitters: Uncertain significance (2). Last evaluated 2023-10-16.

Conditions:
Hereditary cancer-predisposing syndrome. Also called: Hereditary neoplastic syndrome; Tumor predisposition; Hereditary Cancer Syndrome; Neoplastic Syndromes, Hereditary. Identifiers: Orphanet 140162, MedGen C0027672, MeSH D009386, MONDO:0015356.

Submissions (2):

Color Diagnostics, LLC DBA Color Health
Classification: Uncertain significance for Hereditary cancer-predisposing syndrome. Last evaluated: 2023-10-16. Review status: criteria provided, single submitter. Criteria: ACMG Guidelines, 2015. Collection method: clinical testing. Allele origin: germline.
Comment: This missense variant replaces serine with cysteine at codon 1387 of the BRCA1 protein. Computational prediction is inconclusive regarding the impact of this variant on protein structure and function (internally defined REVEL score threshold 0.5 < inconclusive < 0.7, PMID: 27666373). To our knowledge, functional studies have not been reported for this variant. This variant has not been reported in individuals affected with BRCA1-related disorders in the literature. This variant has not been identified in the general population by the Genome Aggregation Database (gnomAD). The available evidence is insufficient to determine the role of this variant in disease conclusively. Therefore, this variant is classified as a Variant of Uncertain Significance.

Ambry Genetics
Classification: Uncertain significance for Hereditary cancer-predisposing syndrome. Last evaluated: 2023-08-30. Review status: criteria provided, single submitter. Criteria: Ambry Variant Classification Scheme 2023. Collection method: clinical testing. Allele origin: germline.
Comment: The p.S1387C variant (also known as c.4160C>G), located in coding exon 10 of the BRCA1 gene, results from a C to G substitution at nucleotide position 4160. The serine at codon 1387 is replaced by cysteine, an amino acid with dissimilar properties. This amino acid position is conserved. In addition, the in silico prediction for this alteration is inconclusive. Since supporting evidence is limited at this time, the clinical significance of this alteration remains unclear.